The following is an entry in ClinVar:

ClinVar aggregate classification (germline): Likely benign. Review status: criteria provided, single submitter (1 of 4 stars). 2 submissions from 2 submitters: Likely benign (1). 1 of the submissions does not count toward it. Last evaluated 2026-01-19.

Conditions:
RAI1-related disorder. Also called: RAI1-related condition.

Allele frequency attached by ClinVar (database versions not stated): gnomAD exomes 0.00001; TOPMed 0.00001; gnomAD 0.00002; ExAC 0.00003.
gnomAD v4.1: 15 of 1,611,130 alleles (0.00093%); highest among the groups gnomAD compares: East Asian, 0.0089%; no homozygotes.

Submissions (2):

Labcorp Genetics (formerly Invitae), Labcorp
Classification: Likely benign. Last evaluated: 2026-01-19. Review status: criteria provided, single submitter. Criteria: Invitae Variant Classification Sherloc (09022015). Collection method: clinical testing. Allele origin: germline.

PreventionGenetics, part of Exact Sciences
Classification: Likely benign for RAI1-related condition. Last evaluated: 2022-10-04. Review status: no assertion criteria provided. Collection method: clinical testing. Allele origin: germline. Not counted in ClinVar's aggregate classification.
Comment: This variant is classified as likely benign based on ACMG/AMP sequence variant interpretation guidelines (Richards et al. 2015 PMID: 25741868, with internal and published modifications).

NM_030665.4(RAI1):c.2952G>A (p.Ala984=)

Gene: RAI1 (retinoic acid induced 1; plus strand). Cytogenetic location: 17p11.2.
Variant type: single nucleotide variant.
Coding change: c.2952G>A on transcript NM_030665.4 (MANE Select); coding-DNA position 2952, G replaced by A.
Protein change: p.Ala984=; no amino-acid change (alanine 984 retained).
Molecular consequence: synonymous variant.
Genome position (GRCh38, 1-based): chr17:17,795,900, G>A. VCF-style: chr17-17795900-G-A. GRCh37 (hg19) VCF-style: chr17-17699214-G-A.
Other names: c.2952G>A (NM_030665.3).
Identifiers: ClinVar variation 1637179 (VCV001637179.9), dbSNP rs776897252, ClinGen allele CA8418644.